The following is an entry in ClinVar:

ClinVar aggregate classification (germline): Uncertain significance (1 of 4 stars; one submission).

Allele frequency attached by ClinVar (database versions not stated): gnomAD exomes below 0.00001; TOPMed below 0.00001.
gnomAD v4.1: 2 of 1,614,030 alleles (0.00012%); highest among the groups gnomAD compares: African/African-American, 0.0027%; no homozygotes.

Submission:

Ambry Genetics
Classification: Uncertain significance. Last evaluated: 2023-04-18. Review status: criteria provided, single submitter. Criteria: Ambry Variant Classification Scheme 2023. Collection method: clinical testing. Allele origin: germline.
Comment: The p.K1617R variant (also known as c.4850A>G), located in coding exon 37 of the PRKDC gene, results from an A to G substitution at nucleotide position 4850. The lysine at codon 1617 is replaced by arginine, an amino acid with highly similar properties. This amino acid position is conserved. Since supporting evidence is limited at this time, the clinical significance of this alteration remains unclear.

NM_006904.7(PRKDC):c.4850A>G (p.Lys1617Arg)

Gene: PRKDC (protein kinase, DNA-activated, catalytic subunit; minus strand). Cytogenetic location: 8q11.21.
Variant type: single nucleotide variant.
Coding change: c.4850A>G on transcript NM_006904.7 (MANE Select); coding-DNA position 4850, A replaced by G.
Protein change: p.Lys1617Arg; replaces lysine 1617 with arginine.
Molecular consequence: missense variant.
Genome position (GRCh38, 1-based): chr8:47,882,024, T>C on the plus strand (A>G on the coding strand, the complement: PRKDC is on the minus strand). VCF-style: chr8-47882024-T-C. GRCh37 (hg19) VCF-style: chr8-48794585-T-C.
Other names: c.4850A>G, p.Lys1617Arg (NM_001081640.2); short protein forms K1617R.
Identifiers: ClinVar variation 2561912 (VCV002561912.2), dbSNP rs1213040384, ClinGen allele CA371142021.
Genomic context (GRCh38, chr8:47,882,024, plus strand): 5'-GAATCTTTGGCCCACCATGAATCACACTTCTTCCAGTGTTGCAGAATTGTAGTCGCAAGT[T>C]TCAGTCCTTGGTGTTTCTGGTTTGCTCGCTCCCTGAAGCTCTGGTCTAACATGCCGTTCA-3'
Protein context (NP_008835.5, residues 1607-1627): ERANQKHQGL[Lys1617Arg]LATTILQHWK